The following is an entry in ClinVar:

ClinVar aggregate classification (germline): Uncertain significance (1 of 4 stars; one submission).

Submission:

GeneDx
Classification: Uncertain significance. Last evaluated: 2022-12-07. Review status: criteria provided, single submitter. Criteria: GeneDx Variant Classification Process June 2021. Collection method: clinical testing. Allele origin: germline. Affected: yes.
Comment: Not observed at significant frequency in large population cohorts (gnomAD); In silico analysis supports that this missense variant does not alter protein structure/function; Has not been previously published as pathogenic or benign to our knowledge

NM_000090.4(COL3A1):c.274C>G (p.Pro92Ala)

Gene: COL3A1 (collagen type III alpha 1 chain; plus strand). Cytogenetic location: 2q32.2.
Variant type: single nucleotide variant.
Coding change: c.274C>G on transcript NM_000090.4 (MANE Select); coding-DNA position 274, C replaced by G.
Protein change: p.Pro92Ala; replaces proline 92 with alanine.
Molecular consequence: missense variant.
Genome position (GRCh38, 1-based): chr2:188,984,954, C>G. VCF-style: chr2-188984954-C-G. GRCh37 (hg19) VCF-style: chr2-189849680-C-G.
Other names: short protein forms P92A.
Identifiers: ClinVar variation 1803482 (VCV001803482.1), dbSNP rs768385591, ClinGen allele CA349847442.